The following is an entry in ClinVar:

ClinVar aggregate classification (germline): Likely benign (1 of 4 stars; one submission).

gnomAD v4.1: 321 of 1,611,674 alleles (0.02%); highest among the groups gnomAD compares: Non-Finnish European, 0.022%; 1 homozygote.

Submission:

CeGaT Center for Human Genetics Tuebingen
Classification: Likely benign. Last evaluated: 2025-03-01. Review status: criteria provided, single submitter. Criteria: CeGaT Center For Human Genetics Tuebingen Variant Classification Criteria Version 2. Collection method: clinical testing. Allele origin: germline. Affected: yes. Observed: 1 variant allele.
Comment: PCDHB7: BP4, BP7

NM_018940.4(PCDHB7):c.2103C>T (p.Leu701=)

Genes: PCDHB7 (protocadherin beta 7; plus strand), PCDHB@ (protocadherin beta cluster; plus strand). Cytogenetic location: 5q31.3.
Variant type: single nucleotide variant.
Coding change: c.2103C>T on transcript NM_018940.4 (MANE Select); coding-DNA position 2103, C replaced by T.
Protein change: p.Leu701=; no amino-acid change (leucine 701 retained).
Molecular consequence: synonymous variant.
Genome position (GRCh38, 1-based): chr5:141,174,938, C>T. VCF-style: chr5-141174938-C-T. GRCh37 (hg19) VCF-style: chr5-140554519-C-T.
Identifiers: ClinVar variation 3777977 (VCV003777977.7).